The following is an entry in ClinVar:

ClinVar aggregate classification (germline): Likely benign. Review status: criteria provided, multiple submitters, no conflicts (2 of 4 stars). 2 submissions from 2 submitters: Likely benign (2). Last evaluated 2026-09-01.

Allele frequency attached by ClinVar (database versions not stated): gnomAD exomes 0.00018; ExAC 0.00055; ESP Exome Variant Server 0.00108; gnomAD 0.00149; 1000 Genomes Project 0.00160; TOPMed 0.00173; 1000 Genomes Project 30x 0.00187.
gnomAD v4.1: 514 of 1,613,546 alleles (0.032%); highest among the groups gnomAD compares: African/African-American, 0.47%; 3 homozygotes.

Submissions (2):

CeGaT Center for Human Genetics Tuebingen
Classification: Likely benign. Last evaluated: 2026-09-01. Review status: criteria provided, single submitter. Criteria: CeGaT Center For Human Genetics Tuebingen Variant Classification Criteria Version 2. Collection method: clinical testing. Allele origin: germline. Affected: yes. Observed: 2 variant alleles.
Comment: DCC: BP4, BP7

Blueprint Genetics
Classification: Likely benign. Last evaluated: 2024-11-25. Review status: criteria provided, single submitter. Criteria: ACMG Guidelines, 2015. Collection method: clinical testing. Allele origin: germline.

NM_005215.4(DCC):c.3399G>A (p.Arg1133=)

Gene: DCC (DCC netrin 1 receptor; plus strand). Cytogenetic location: 18q21.2.
Variant type: single nucleotide variant.
Coding change: c.3399G>A on transcript NM_005215.4 (MANE Select); coding-DNA position 3399, G replaced by A.
Protein change: p.Arg1133=; no amino-acid change (arginine 1133 retained).
Molecular consequence: synonymous variant.
Genome position (GRCh38, 1-based): chr18:53,459,238, G>A. VCF-style: chr18-53459238-G-A. GRCh37 (hg19) VCF-style: chr18-50985608-G-A.
Identifiers: ClinVar variation 2648728 (VCV002648728.25), dbSNP rs34075746, ClinGen allele CA8967511.